The following is an entry in ClinVar:

ClinVar aggregate classification (germline): Uncertain significance (1 of 4 stars; one submission).

Conditions:
Bardet-Biedl syndrome (BBS). Identifiers: Orphanet 110, MedGen C0752166, MONDO:0015229.

Submission:

Labcorp Genetics (formerly Invitae), Labcorp
Classification: Uncertain significance for Bardet-Biedl syndrome. Last evaluated: 2022-06-13. Review status: criteria provided, single submitter. Criteria: Invitae Variant Classification Sherloc (09022015). Collection method: clinical testing. Allele origin: germline.
Comment: In summary, the available evidence is currently insufficient to determine the role of this variant in disease. Therefore, it has been classified as a Variant of Uncertain Significance. Algorithms developed to predict the effect of missense changes on protein structure and function are either unavailable or do not agree on the potential impact of this missense change (SIFT: "Deleterious"; PolyPhen-2: "Benign"; Align-GVGD: "Class C65"). ClinVar contains an entry for this variant (Variation ID: 841710). This variant has not been reported in the literature in individuals affected with BBS9-related conditions. This variant is not present in population databases (gnomAD no frequency). This sequence change replaces methionine, which is neutral and non-polar, with threonine, which is neutral and polar, at codon 162 of the BBS9 protein (p.Met162Thr).

NM_198428.3(BBS9):c.485T>C (p.Met162Thr)

Gene: BBS9 (Bardet-Biedl syndrome 9; plus strand). Cytogenetic location: 7p14.3.
Variant type: single nucleotide variant.
Coding change: c.485T>C on transcript NM_198428.3 (MANE Select); coding-DNA position 485, T replaced by C.
Protein change: p.Met162Thr; replaces methionine 162 with threonine.
Molecular consequence: missense variant. On other transcripts: non-coding transcript variant (3).
Genome position (GRCh38, 1-based): chr7:33,257,278, T>C. VCF-style: chr7-33257278-T-C. GRCh37 (hg19) VCF-style: chr7-33296890-T-C.
Other names: c.485T>C, p.Met162Thr (NM_001033604.2, NM_001033605.2, NM_001348036.1 and 5 more transcripts); c.119T>C, p.Met40Thr (NM_001348037.3, NM_001348044.3, NM_001348045.3 and 1 more transcripts); c.212T>C, p.Met71Thr (NM_001348038.3, NM_001348039.3); c.350T>C, p.Met117Thr (NM_001348042.3); short protein forms M117T, M162T, M40T, M71T.
Identifiers: ClinVar variation 841710 (VCV000841710.11), dbSNP rs1797227483, ClinGen allele CA367252772.